The following is an entry in ClinVar:

NM_002878.4(RAD51D):c.-2A>T

Genes: RAD51D (RAD51 paralog D; minus strand), RAD51L3-RFFL (RAD51L3-RFFL readthrough; minus strand). Cytogenetic location: 17q12.
Variant type: single nucleotide variant.
Coding change: c.-2A>T on transcript NM_002878.4 (MANE Select); 2 bases upstream of the start codon, A replaced by T.
Molecular consequence: 5 prime UTR variant. On other transcripts: non-coding transcript variant (2).
Genome position (GRCh38, 1-based): chr17:35,119,615, T>A on the plus strand (A>T on the coding strand, the complement: RAD51D is on the minus strand). VCF-style: chr17-35119615-T-A. GRCh37 (hg19) VCF-style: chr17-33446634-T-A.
Other names: c.-2A>T (NM_001142571.2, NM_133629.3).
Identifiers: ClinVar variation 919256 (VCV000919256.3), dbSNP rs2091800072, ClinGen allele CA1139665488.

ClinVar aggregate classification (germline): Uncertain significance (1 of 4 stars; one submission).

Conditions:
Hereditary cancer-predisposing syndrome. Also called: Neoplastic Syndromes, Hereditary; Tumor predisposition; Hereditary Cancer Syndrome; Hereditary neoplastic syndrome. Identifiers: Orphanet 140162, MedGen C0027672, MeSH D009386, MONDO:0015356.

Submission:

Color Diagnostics, LLC DBA Color Health
Classification: Uncertain significance for Hereditary cancer-predisposing syndrome. Last evaluated: 2020-03-06. Review status: criteria provided, single submitter. Criteria: ACMG Guidelines, 2015. Collection method: clinical testing. Allele origin: germline.
Comment: This variant is located in the 5' untranslated region in the RAD51D gene. Splice site prediction tools suggest that this variant may not impact RNA splicing. To our knowledge, functional studies have not been reported for this variant. This variant has not been reported in individuals affected with hereditary cancer in the literature. This variant has not been identified in the general population by the Genome Aggregation Database (gnomAD). The available evidence is insufficient to determine the role of this variant in disease conclusively. Therefore, this variant is classified as a Variant of Uncertain Significance.